The following is an entry in ClinVar:

ClinVar aggregate classification (germline): Pathogenic (1 of 4 stars; one submission).

Conditions:
Transcobalamin II deficiency (TCN2D). Also called: TC II DEFICIENCY; TCN2 DEFICIENCY; Transcolabamin II deficiency. Identifiers: Orphanet 859, MedGen C0342701, MONDO:0010149, OMIM 275350.

Submission:

Labcorp Genetics (formerly Invitae), Labcorp
Classification: Pathogenic for Transcobalamin II deficiency. Last evaluated: 2023-11-01. Review status: criteria provided, single submitter. Criteria: Invitae Variant Classification Sherloc (09022015). Collection method: clinical testing. Allele origin: germline.
Comment: This variant is a gross deletion of the genomic region encompassing exon(s) 3-6 of the TCN2 gene. This deletion is out-of-frame, and is expected to create a premature termination codon and result in an absent or disrupted protein product. Loss-of-function variants in TCN2 are known to be pathogenic (PMID: 7980584, 20352340). This variant has not been reported in the literature in individuals affected with TCN2-related conditions. For these reasons, this variant has been classified as Pathogenic.

Literature cited by the submitters: PubMed 7980584; PubMed 20352340.

NC_000022.11:g.(?_30612853)_(30615807_?)del

Gene: TCN2 (transcobalamin 2; plus strand). Cytogenetic location: 22q12.2.
Variant type: Deletion.
Identifiers: ClinVar variation 653526 (VCV000653526.3).